The following is an entry in ClinVar:

ClinVar aggregate classification (germline): Uncertain significance (1 of 4 stars; one submission).

Submission:

Labcorp Genetics (formerly Invitae), Labcorp
Classification: Uncertain significance. Last evaluated: 2021-12-23. Review status: criteria provided, single submitter. Criteria: Invitae Variant Classification Sherloc (09022015). Collection method: clinical testing. Allele origin: germline.
Comment: This sequence change replaces arginine, which is basic and polar, with threonine, which is neutral and polar, at codon 640 of the ACAN protein (p.Arg640Thr). This variant is not present in population databases (gnomAD no frequency). This variant has not been reported in the literature in individuals affected with ACAN-related conditions. Algorithms developed to predict the effect of missense changes on protein structure and function are either unavailable or do not agree on the potential impact of this missense change (SIFT: "Deleterious"; PolyPhen-2: "Not Available"; Align-GVGD: "Class C65"). In summary, the available evidence is currently insufficient to determine the role of this variant in disease. Therefore, it has been classified as a Variant of Uncertain Significance.

NM_001369268.1(ACAN):c.1919G>C (p.Arg640Thr)

Gene: ACAN (aggrecan; plus strand). Cytogenetic location: 15q26.1.
Variant type: single nucleotide variant.
Coding change: c.1919G>C on transcript NM_001369268.1 (MANE Select); coding-DNA position 1919, G replaced by C.
Protein change: p.Arg640Thr; replaces arginine 640 with threonine.
Molecular consequence: missense variant.
Genome position (GRCh38, 1-based): chr15:88,849,624, G>C. VCF-style: chr15-88849624-G-C. GRCh37 (hg19) VCF-style: chr15-89392855-G-C.
Other names: c.1919G>C, p.Arg640Thr (NM_001411096.1, NM_001411097.1, NM_013227.4 and 1 more transcripts); short protein forms R640T.
Identifiers: ClinVar variation 1975567 (VCV001975567.5), dbSNP rs1213712769, ClinGen allele CA393712231.